The following is an entry in ClinVar:

NM_173628.4(DNAH17):c.5535T>C (p.Pro1845=)

Genes: DNAH17 (dynein axonemal heavy chain 17; minus strand), DNAH17-AS1 (DNAH17 antisense RNA 1; plus strand). Cytogenetic location: 17q25.3.
Variant type: single nucleotide variant.
Coding change: c.5535T>C on transcript NM_173628.4 (MANE Select); coding-DNA position 5535, T replaced by C.
Protein change: p.Pro1845=; no amino-acid change (proline 1845 retained).
Molecular consequence: synonymous variant. On other transcripts: non-coding transcript variant (1).
Genome position (GRCh38, 1-based): chr17:78,500,410, A>G on the plus strand (T>C on the coding strand, the complement: DNAH17 is on the minus strand). VCF-style: chr17-78500410-A-G. GRCh37 (hg19) VCF-style: chr17-76496492-A-G.
Identifiers: ClinVar variation 402685 (VCV000402685.8), dbSNP rs2028734, ClinGen allele CA8803212.

ClinVar aggregate classification (germline): Benign. Review status: criteria provided, multiple submitters, no conflicts (2 of 4 stars). 4 submissions from 4 submitters: Benign (3). 1 of the submissions does not count toward it. Last evaluated 2021-05-04.

Conditions:
DNAH17-related disorder. Also called: DNAH17-related condition.

Allele frequency attached by ClinVar (database versions not stated): gnomAD exomes 0.83031 and 0.86230; ESP Exome Variant Server 0.85695; ExAC 0.86251; gnomAD 0.86600 and 0.86847; TOPMed 0.87844; 1000 Genomes Project 0.92971; 1000 Genomes Project 30x 0.93082.
gnomAD v4.1: 1,344,051 of 1,610,380 alleles (83%); highest among the groups gnomAD compares: East Asian, 99%; 563,323 homozygotes.

Submissions (4):

GeneDx
Classification: Benign. Last evaluated: 2021-05-04. Review status: criteria provided, single submitter. Criteria: GeneDx Variant Classification Process June 2021. Collection method: clinical testing. Allele origin: germline. Affected: yes.

Laboratory for Molecular Medicine, Mass General Brigham Personalized Medicine
Classification: Benign. Last evaluated: 2016-03-29. Review status: criteria provided, single submitter. Criteria: LMM Criteria. Collection method: clinical testing. Allele origin: germline.
Comment: Variant identified in a genome or exome case(s) and assessed due to predicted null impact of the variant or pathogenic assertions in the literature or databases. Disclaimer: This variant has not undergone full assessment. The following are preliminary notes: Frequency

Breakthrough Genomics
Classification: Benign. Review status: criteria provided, single submitter. Criteria: ACMG Guidelines, 2015. Collection method: not provided. Allele origin: germline. Inheritance: Autosomal recessive inheritance. Affected: yes.

PreventionGenetics, part of Exact Sciences
Classification: Benign for DNAH17-related condition. Last evaluated: 2019-10-17. Review status: no assertion criteria provided. Collection method: clinical testing. Allele origin: germline. Not counted in ClinVar's aggregate classification.
Comment: This variant is classified as benign based on ACMG/AMP sequence variant interpretation guidelines (Richards et al. 2015 PMID: 25741868, with internal and published modifications).